The following is an entry in ClinVar:

ClinVar aggregate classification (germline): Pathogenic (1 of 4 stars; one submission).

Conditions:
Hereditary diffuse gastric adenocarcinoma (HDGC). Also called: DIFFUSE GASTRIC AND LOBULAR BREAST CANCER SYNDROME. Identifiers: Orphanet 26106, MedGen C1708349, MONDO:0007648, OMIM 137215.

Submission:

Labcorp Genetics (formerly Invitae), Labcorp
Classification: Pathogenic for Hereditary diffuse gastric adenocarcinoma. Last evaluated: 2023-07-28. Review status: criteria provided, single submitter. Criteria: Invitae Variant Classification Sherloc (09022015). Collection method: clinical testing. Allele origin: germline.
Comment: This variant is a gross deletion of the genomic region encompassing exon(s) 14-16 of the CDH1 gene, which includes the termination codon. This deletion extends beyond the assayed region for this gene and therefore may encompass additional genes. While this deletion is not anticipated to lead to nonsense mediated decay, it is expected to alter mRNA translation or result in a truncated protein product. A similar copy number variant has been observed in individual(s) with diffuse gastric cancer (PMID: 19168852). The region of the CDH1 gene that includes exon(s) exon 16 has been determined to be clinically significant (PMID: 19168852, 22850631). Therefore, deletions that encompass that region are likely to be disease-causing. For these reasons, this variant has been classified as Pathogenic.

Literature cited by the submitters: PubMed 19168852; PubMed 22850631.

NC_000016.10:g.(?_68828164)_(68833499_?)del

Gene: CDH1 (cadherin 1; plus strand). Cytogenetic location: 16q22.1.
Variant type: Deletion.
Identifiers: ClinVar variation 830867 (VCV000830867.9).